The following is an entry in ClinVar:

ClinVar aggregate classification (germline): Uncertain significance (1 of 4 stars; one submission).

Conditions:
Noonan syndrome 9 (NS9). Identifiers: Orphanet 648, MedGen C4225282, MONDO:0014691, OMIM 616559.

gnomAD v4.1: 2 of 1,602,204 alleles (0.00012%); highest among the groups gnomAD compares: Non-Finnish European, 0.00017%; no homozygotes.

Submission:

Labcorp Genetics (formerly Invitae), Labcorp
Classification: Uncertain significance for Noonan syndrome 9. Last evaluated: 2025-06-08. Review status: criteria provided, single submitter. Criteria: Invitae Variant Classification Sherloc (09022015). Collection method: clinical testing. Allele origin: germline.
Comment: This sequence change replaces tryptophan, which is neutral and slightly polar, with leucine, which is neutral and non-polar, at codon 832 of the SOS2 protein (p.Trp832Leu). This variant is not present in population databases (gnomAD no frequency). This variant has not been reported in the literature in individuals affected with SOS2-related conditions. Invitae Evidence Modeling of protein sequence and biophysical properties (such as structural, functional, and spatial information, amino acid conservation, physicochemical variation, residue mobility, and thermodynamic stability) has been performed for this missense variant. However, the output from this modeling did not meet the statistical confidence thresholds required to predict the impact of this variant on SOS2 protein function. In summary, the available evidence is currently insufficient to determine the role of this variant in disease. Therefore, it has been classified as a Variant of Uncertain Significance.

NM_006939.4(SOS2):c.2495G>T (p.Trp832Leu)

Gene: SOS2 (SOS Ras/Rho guanine nucleotide exchange factor 2; minus strand). Cytogenetic location: 14q21.3.
Variant type: single nucleotide variant.
Coding change: c.2495G>T on transcript NM_006939.4 (MANE Select); coding-DNA position 2495, G replaced by T.
Protein change: p.Trp832Leu; replaces tryptophan 832 with leucine.
Molecular consequence: missense variant.
Genome position (GRCh38, 1-based): chr14:50,145,486, C>A on the plus strand (G>T on the coding strand, the complement: SOS2 is on the minus strand). VCF-style: chr14-50145486-C-A. GRCh37 (hg19) VCF-style: chr14-50612204-C-A.
Other names: c.2396G>T, p.Trp799Leu (NM_001411020.1); short protein forms W799L, W832L.
Identifiers: ClinVar variation 4705948 (VCV004705948.1).